The following is an entry in ClinVar:

NM_001244008.2(KIF1A):c.3385C>T (p.Arg1129Cys)

Gene: KIF1A (kinesin family member 1A; minus strand). Cytogenetic location: 2q37.3.
Variant type: single nucleotide variant.
Coding change: c.3385C>T on transcript NM_001244008.2 (MANE Select); coding-DNA position 3385, C replaced by T.
Protein change: p.Arg1129Cys; replaces arginine 1129 with cysteine.
Molecular consequence: missense variant.
Genome position (GRCh38, 1-based): chr2:240,745,507, G>A on the plus strand (C>T on the coding strand, the complement: KIF1A is on the minus strand). VCF-style: chr2-240745507-G-A. GRCh37 (hg19) VCF-style: chr2-241684924-G-A.
Other names: c.3109C>T, p.Arg1037Cys (NM_001320705.2, NM_001330289.2, NM_001379638.1); c.3184C>T, p.Arg1062Cys (NM_001330290.2, NM_001379634.1, NM_001379635.1 and 1 more transcripts); c.3460C>T, p.Arg1154Cys (NM_001379631.1); c.3334C>T, p.Arg1112Cys (NM_001379632.1); c.3358C>T, p.Arg1120Cys (NM_001379633.1, NM_001379642.1, NM_001379645.1); c.3082C>T, p.Arg1028Cys (NM_001379636.1, NM_001379639.1, NM_001379641.1 and 5 more transcripts); c.3157C>T, p.Arg1053Cys (NM_001379637.1, NM_001379648.1); c.3079C>T, p.Arg1027Cys (NM_001379640.1); short protein forms R1129C, R1062C, R1037C, R1028C, R1053C, R1112C, R1154C, R1120C.
Identifiers: ClinVar variation 855917 (VCV000855917.12), dbSNP rs774779281, ClinGen allele CA2207818.

ClinVar aggregate classification (germline): Conflicting classifications of pathogenicity. Review status: criteria provided, conflicting classifications (1 of 4 stars). 2 submissions from 2 submitters: Uncertain significance (1); Likely benign (1). Last evaluated 2024-04-03.

Conditions:
Inborn genetic diseases. Identifiers: MedGen C0950123, MeSH D030342.
Hereditary spastic paraplegia 30. Identifiers: Orphanet 101010, MedGen C5235139, MONDO:0012476.
Neuropathy, hereditary sensory, type 2C. Also called: Hereditary sensory and autonomic neuropathy type IIC; KIF1A-Related HSAN2 (HSAN2C). Identifiers: Orphanet 970, MedGen C3280168, MONDO:0013634, OMIM 614213.
Intellectual disability, autosomal dominant 9 (NESCAVS). Also called: NESCAV SYNDROME; KIF1A-Related Neurodevelopmental Disorder. Identifiers: Orphanet 662367, MedGen C5393830, MONDO:0013656, OMIM 614255.

Allele frequency attached by ClinVar (database versions not stated): gnomAD exomes 0.00001 and below 0.00001; ExAC 0.00002; gnomAD 0.00002; TOPMed 0.00002.
gnomAD v4.1: 8 of 1,610,982 alleles (0.0005%); highest among the groups gnomAD compares: African/African-American, 0.0027%; no homozygotes.

Submissions (2):

Labcorp Genetics (formerly Invitae), Labcorp
Classification: Likely benign for Hereditary spastic paraplegia 30; Neuropathy, hereditary sensory, type 2C; Intellectual disability, autosomal dominant 9. Last evaluated: 2024-04-03. Review status: criteria provided, single submitter. Criteria: Invitae Variant Classification Sherloc (09022015). Collection method: clinical testing. Allele origin: germline.

Ambry Genetics
Classification: Uncertain significance for Inborn genetic diseases. Last evaluated: 2021-08-26. Review status: criteria provided, single submitter. Criteria: Ambry Variant Classification Scheme 2023. Collection method: clinical testing. Allele origin: germline.
Comment: The p.R1129C variant (also known as c.3385C>T), located in coding exon 31 of the KIF1A gene, results from a C to T substitution at nucleotide position 3385. The arginine at codon 1129 is replaced by cysteine, an amino acid with highly dissimilar properties. This amino acid position is highly conserved in available vertebrate species. In addition, the in silico prediction for this alteration is inconclusive. Since supporting evidence is limited at this time, the clinical significance of this alteration remains unclear.